The following is an entry in ClinVar:

NM_000059.4(BRCA2):c.9526G>T (p.Ala3176Ser)

Gene: BRCA2 (BRCA2 DNA repair associated; plus strand). Cytogenetic location: 13q13.1.
Variant type: single nucleotide variant.
Coding change: c.9526G>T on transcript NM_000059.4 (MANE Select); coding-DNA position 9526, G replaced by T.
Protein change: p.Ala3176Ser; replaces alanine 3176 with serine.
Molecular consequence: missense variant.
Genome position (GRCh38, 1-based): chr13:32,396,922, G>T. VCF-style: chr13-32396922-G-T. GRCh37 (hg19) VCF-style: chr13-32971059-G-T.
Other names: short protein forms A3176S.
Identifiers: ClinVar variation 1475128 (VCV001475128.8), dbSNP rs2073040220, ClinGen allele CA387763013.

ClinVar aggregate classification (germline): Uncertain significance (1 of 4 stars; one submission).

Conditions:
Hereditary breast ovarian cancer syndrome. Also called: Breast and ovarian cancer; Hereditary breast and ovarian cancer; Hereditary breast and ovarian cancer syndrome; Hereditary breast and ovarian cancer syndrome (HBOC); BRCA1- and BRCA2-Associated Hereditary Breast and Ovarian Cancer; Hereditary breast and/or ovarian cancer syndrome. Identifiers: Orphanet 145, MedGen C0677776, MeSH D061325, MONDO:0003582. Disease mechanism: loss of function.

Submission:

Labcorp Genetics (formerly Invitae), Labcorp
Classification: Uncertain significance for Hereditary breast ovarian cancer syndrome. Last evaluated: 2022-09-19. Review status: criteria provided, single submitter. Criteria: Invitae Variant Classification Sherloc (09022015). Collection method: clinical testing. Allele origin: germline.
Comment: In summary, the available evidence is currently insufficient to determine the role of this variant in disease. Therefore, it has been classified as a Variant of Uncertain Significance. Advanced modeling of protein sequence and biophysical properties (such as structural, functional, and spatial information, amino acid conservation, physicochemical variation, residue mobility, and thermodynamic stability) performed at Invitae indicates that this missense variant is not expected to disrupt BRCA2 protein function. ClinVar contains an entry for this variant (Variation ID: 1475128). This variant has not been reported in the literature in individuals affected with BRCA2-related conditions. This variant is not present in population databases (gnomAD no frequency). This sequence change replaces alanine, which is neutral and non-polar, with serine, which is neutral and polar, at codon 3176 of the BRCA2 protein (p.Ala3176Ser).